The following is an entry in ClinVar:

NC_000022.10:g.(38122511_38129304)_(38168772_38169789)dup

Gene: TRIOBP (TRIO and F-actin binding protein; plus strand). Cytogenetic location: 22q13.1.
Variant type: Duplication.
Identifiers: ClinVar variation 2682448 (VCV002682448.1).

ClinVar aggregate classification (germline): Uncertain significance (1 of 4 stars; one submission).

Submission:

Women's Health and Genetics/Laboratory Corporation of America, LabCorp
Classification: Uncertain significance. Last evaluated: 2023-11-10. Review status: criteria provided, single submitter. Criteria: LabCorp Variant Classification Summary - May 2015. Collection method: clinical testing. Allele origin: germline.
Comment: Variant summary: The variant identified by MLPA or other technology involves the duplication of exons 8-23 in the TRIOBP gene. A presumed nomenclature of c.(3947+1_3948-1)_(*2+1_*3-1)dup has been designated for the purposes of this classification. It has been assumed that this is a tandem duplication in direct orientation (Richardson_GIM_2018, Newman_AJHG_2015). Although exact breakpoints of this duplication are not known, it is expected to result in a large duplication change in the TRIOBP gene. The variant was absent in 21694 control chromosomes (gnomAD, structural variants dataset). The available data on variant occurrences in the general population are insufficient to allow any conclusion about variant significance. To our knowledge, no occurrence of c.(3947+1_3948-1)_(*2+1_*3-1)dup in individuals affected with Autosomal Recessive Nonsyndromic Hearing Loss 28 and no experimental evidence demonstrating its impact on protein function have been reported. No submitters have cited clinical-significance assessments for this variant to ClinVar after 2014. Based on the evidence outlined above, the variant was classified as uncertain significance.